The following is an entry in ClinVar:

ClinVar aggregate classification (germline): Likely benign. Review status: criteria provided, multiple submitters, no conflicts (2 of 4 stars). 3 submissions from 3 submitters: Likely benign (2). 1 of the submissions does not count toward it. Last evaluated 2019-12-31.

Conditions:
CSMD1-related disorder. Also called: CSMD1-related condition.

Allele frequency attached by ClinVar (database versions not stated): gnomAD exomes 0.00022 and 0.00065; ExAC 0.00081; gnomAD 0.00186 and 0.00195; ESP Exome Variant Server 0.00191; TOPMed 0.00227; 1000 Genomes Project 0.00359; 1000 Genomes Project 30x 0.00422.
gnomAD v4.1: 615 of 1,613,912 alleles (0.038%); highest among the groups gnomAD compares: African/African-American, 0.67%; 1 homozygote.

Submissions (3):

Labcorp Genetics (formerly Invitae), Labcorp
Classification: Likely benign. Last evaluated: 2019-12-31. Review status: criteria provided, single submitter. Criteria: Invitae Variant Classification Sherloc (09022015). Collection method: clinical testing. Allele origin: germline.

Breakthrough Genomics
Classification: Likely benign. Review status: criteria provided, single submitter. Criteria: ACMG Guidelines, 2015. Collection method: not provided. Allele origin: germline. Inheritance: Unknown mechanism. Affected: yes.

PreventionGenetics, part of Exact Sciences
Classification: Benign for CSMD1-related condition. Last evaluated: 2019-05-24. Review status: no assertion criteria provided. Collection method: clinical testing. Allele origin: germline. Not counted in ClinVar's aggregate classification.
Comment: This variant is classified as benign based on ACMG/AMP sequence variant interpretation guidelines (Richards et al. 2015 PMID: 25741868, with internal and published modifications).

NM_033225.6(CSMD1):c.9532T>G (p.Phe3178Val)

Genes: CSMD1 (CUB and Sushi multiple domains 1; minus strand), LOC105377785 (uncharacterized LOC105377785; plus strand). Cytogenetic location: 8p23.2.
Variant type: single nucleotide variant.
Coding change: c.9532T>G on transcript NM_033225.6 (MANE Select); coding-DNA position 9532, T replaced by G.
Protein change: p.Phe3178Val; replaces phenylalanine 3178 with valine.
Molecular consequence: missense variant.
Genome position (GRCh38, 1-based): chr8:2,962,562, A>C on the plus strand (T>G on the coding strand, the complement: CSMD1 is on the minus strand). VCF-style: chr8-2962562-A-C. GRCh37 (hg19) VCF-style: chr8-2820084-A-C.
Other names: short protein forms F3178V.
Identifiers: ClinVar variation 734131 (VCV000734131.7), dbSNP rs143371052, ClinGen allele CA4605107.